The following is an entry in ClinVar:

ClinVar aggregate classification (germline): Uncertain significance (1 of 4 stars; one submission).

Conditions:
Epidermolysis bullosa simplex 5B, with muscular dystrophy (EBS5B). Also called: Epidermolysis bullosa simplex with muscular dystrophy; EPIDERMOLYSIS BULLOSA SIMPLEX AND LIMB-GIRDLE MUSCULAR DYSTROPHY. Identifiers: Orphanet 257, MedGen C2931072, MONDO:0009181, OMIM 226670.
Epidermolysis bullosa simplex 5C, with pyloric atresia (EBS5C). Also called: PLEC1-Related Epidermolysis Bullosa with Pyloric Atresia; PLEC-Related Epidermolysis Bullosa with Pyloric Atresia; Epidermolysis bullosa simplex with pyloric atresia. Identifiers: Orphanet 158684, MedGen C2677349, MONDO:0012807, OMIM 612138.
Autosomal recessive limb-girdle muscular dystrophy type 2Q (LGMDR17). Also called: MUSCULAR DYSTROPHY, LIMB-GIRDLE, AUTOSOMAL RECESSIVE 17. Identifiers: Orphanet 254361, MedGen C3150989, MONDO:0013390, OMIM 613723.
Epidermolysis bullosa simplex, Ogna type (EBS5A). Also called: Pidermolysis bullosa simplex 5A, Ogna type; EPIDERMOLYSIS BULLOSA SIMPLEX 5A, OGNA TYPE. Identifiers: Orphanet 79401, MedGen C0432317, MONDO:0007555, OMIM 131950.
Epidermolysis bullosa simplex with nail dystrophy (EBS5D). Identifiers: MedGen C4225309, MONDO:0014661, OMIM 616487.

gnomAD v4.1: 8 of 1,592,078 alleles (0.0005%); highest among the groups gnomAD compares: Non-Finnish European, 0.00068%; no homozygotes.

Submission:

Labcorp Genetics (formerly Invitae), Labcorp
Classification: Uncertain significance for Autosomal recessive limb-girdle muscular dystrophy type 2Q; Epidermolysis bullosa simplex, Ogna type; Epidermolysis bullosa simplex with nail dystrophy; Epidermolysis bullosa simplex 5C, with pyloric atresia; Epidermolysis bullosa simplex 5B, with muscular dystrophy. Last evaluated: 2021-02-04. Review status: criteria provided, single submitter. Criteria: Invitae Variant Classification Sherloc (09022015). Collection method: clinical testing. Allele origin: germline.
Comment: In summary, the available evidence is currently insufficient to determine the role of this variant in disease. Therefore, it has been classified as a Variant of Uncertain Significance. Algorithms developed to predict the effect of sequence changes on RNA splicing suggest that this variant may disrupt the consensus splice site, but this prediction has not been confirmed by published transcriptional studies. This variant has not been reported in the literature in individuals with PLEC-related conditions. This variant is not present in population databases (ExAC no frequency). This sequence change falls in intron 18 of the PLEC gene. It does not directly change the encoded amino acid sequence of the PLEC protein.

NM_201384.3(PLEC):c.2083-4G>T

Gene: PLEC (plectin; minus strand). Cytogenetic location: 8q24.3.
Variant type: single nucleotide variant.
Coding change: c.2083-4G>T on transcript NM_201384.3 (MANE Select); 4 bases into the intron before coding-DNA position 2083, G replaced by T.
Molecular consequence: intron variant.
Genome position (GRCh38, 1-based): chr8:143,932,036, C>A on the plus strand (G>T on the coding strand, the complement: PLEC is on the minus strand). VCF-style: chr8-143932036-C-A. GRCh37 (hg19) VCF-style: chr8-145006204-C-A.
Other names: c.2164-4G>T (NM_000445.5); c.2041-4G>T (NM_201378.4); c.2017-4G>T (NM_201379.3); c.2494-4G>T (NM_201380.4); c.1987-4G>T (NM_201381.3); c.2083-4G>T (NM_201382.4); c.2095-4G>T (NM_201383.3).
Identifiers: ClinVar variation 1392608 (VCV001392608.10), dbSNP rs555646129, ClinGen allele CA586158501.